The following is an entry in ClinVar:

ClinVar aggregate classification (germline): Uncertain significance (1 of 4 stars; one submission).

Submission:

Labcorp Genetics (formerly Invitae), Labcorp
Classification: Uncertain significance. Last evaluated: 2024-11-22. Review status: criteria provided, single submitter. Criteria: Invitae Variant Classification Sherloc (09022015). Collection method: clinical testing. Allele origin: germline.
Comment: This sequence change replaces glycine, which is neutral and non-polar, with serine, which is neutral and polar, at codon 1048 of the TRPM1 protein (p.Gly1048Ser). This variant is present in population databases (rs753286572, gnomAD 0.003%). This missense change has been observed in individual(s) with congenital stationary night blindness (PMID: 19896109). Invitae Evidence Modeling of protein sequence and biophysical properties (such as structural, functional, and spatial information, amino acid conservation, physicochemical variation, residue mobility, and thermodynamic stability) indicates that this missense variant is expected to disrupt TRPM1 protein function with a positive predictive value of 80%. In summary, the available evidence is currently insufficient to determine the role of this variant in disease. Therefore, it has been classified as a Variant of Uncertain Significance.

Literature cited by the submitters: PubMed 19896109.

NM_001252024.2(TRPM1):c.3208G>A (p.Gly1070Ser)

Genes: TRPM1 (transient receptor potential cation channel subfamily M member 1; minus strand), TRPM1-AS1 (TRPM1 antisense RNA 1; plus strand). Cytogenetic location: 15q13.3.
Variant type: single nucleotide variant.
Coding change: c.3208G>A on transcript NM_001252024.2 (MANE Select); coding-DNA position 3208, G replaced by A.
Protein change: p.Gly1070Ser; replaces glycine 1070 with serine.
Molecular consequence: missense variant.
Genome position (GRCh38, 1-based): chr15:31,028,417, C>T on the plus strand (G>A on the coding strand, the complement: TRPM1 is on the minus strand). VCF-style: chr15-31028417-C-T. GRCh37 (hg19) VCF-style: chr15-31320620-C-T.
Other names: c.3259G>A, p.Gly1087Ser (NM_001252020.2); c.3142G>A, p.Gly1048Ser (NM_002420.6); short protein forms G1048S, G1070S, G1087S.
Identifiers: ClinVar variation 3721635 (VCV003721635.2).
Genomic context (GRCh38, chr15:31,028,417, plus strand): 5'-CCAGCAGGATGTTGGCGACCAGTAGATAGCACGCCATGAGTGCTGGAGTGAGCCAGGCGC[C>T]GGGGATACAGGGAGGAAGCCGCTTGCCCTCCTCATCATATAGGTTCTCACCACAAGGAGC-3'
Protein context (NP_001238953.1, residues 1060-1080): EGKRLPPCIP[Gly1070Ser]AWLTPALMAC